The following is an entry in ClinVar:

ClinVar aggregate classification (germline): Uncertain significance. Review status: criteria provided, multiple submitters, no conflicts (2 of 4 stars). 2 submissions from 2 submitters: Uncertain significance (2). Last evaluated 2024-01-21.

Conditions:
Hereditary cancer-predisposing syndrome. Also called: Hereditary Cancer Syndrome; Hereditary neoplastic syndrome; Neoplastic Syndromes, Hereditary; Tumor predisposition. Identifiers: Orphanet 140162, MedGen C0027672, MeSH D009386, MONDO:0015356.

Submissions (2):

Quest Diagnostics Nichols Institute San Juan Capistrano
Classification: Uncertain significance. Last evaluated: 2024-01-21. Review status: criteria provided, single submitter. Criteria: Quest Diagnostics criteria. Collection method: clinical testing. Allele origin: unknown.
Comment: The BRCA2 c.9974_10058del (p.Phe3325Cysfs*30) variant alters the translational reading frame of the BRCA2 mRNA and is predicted to cause the premature termination of BRCA2 protein synthesis. However, this protein truncation occurs in the terminal end of the protein and its effect on protein function is uncertain. This variant has not been reported in individuals with BRCA2-related conditions in the published literature. The frequency of this variant in the general population, 0.000032 (1/31408 chromosomes (Genome Aggregation Database)), is uninformative in the assessment of its pathogenicity. Based on the available information, we are unable to determine the clinical significance of this variant.

Ambry Genetics
Classification: Uncertain significance for Hereditary cancer-predisposing syndrome. Last evaluated: 2021-02-22. Review status: criteria provided, single submitter. Criteria: Ambry Variant Classification Scheme 2023. Collection method: clinical testing. Allele origin: germline.
Comment: The c.9974_10058del85 variant, located in coding exon 26 of the BRCA2 gene, results from a deletion of 85 nucleotides at nucleotide positions 9974 to 10058, causing a translational frameshift with a predicted alternate stop codon (p.F3325Cfs*30). This alteration occurs at the 3' terminus of theBRCA2 gene, is not expected to trigger nonsense-mediated mRNAdecay, and only removes the last 65 amino acids of the protein. The exact functional effect of this alteration is unknown. Since supporting evidence is limited at this time, the clinical significance of this alteration remains unclear.

NM_000059.4(BRCA2):c.9974_10058del (p.Phe3325fs)

Gene: BRCA2 (BRCA2 DNA repair associated; plus strand). Cytogenetic location: 13q13.1.
Variant type: Deletion.
Coding change: c.9974_10058del on transcript NM_000059.4 (MANE Select); coding-DNA positions 9974 to 10058, 85 bases deleted.
Protein change: p.Phe3325fs; shifts the reading frame from phenylalanine 3325.
Molecular consequence: frameshift variant.
Genome position (GRCh38, 1-based): chr13:32,398,487-32,398,571, 85 bases deleted. GRCh37 (hg19): chr13:32,972,624-32,972,708.
Other names: c.9974_10058del85, p.Phe3325Cysfs (NM_000059.3); c.9878_9962del85, p.Phe3293Cysfs (NM_001406719.1); c.9923_10007del85, p.Phe3308Cysfs (NM_001406720.1); c.5042_5126del85, p.Phe1681Cysfs (NM_001406721.1); c.3557_3641del85, p.Phe1186Cysfs (NM_001406722.1); c.9974_10058del (NM_000059.3); short protein forms F3325fs.
Identifiers: ClinVar variation 1768778 (VCV001768778.3), dbSNP rs1566261272, ClinGen allele CA609453952.